The following is an entry in ClinVar:

ClinVar aggregate classification (germline): Likely pathogenic (1 of 4 stars; one submission).

Submission:

Mayo Clinic Laboratories, Mayo Clinic
Classification: Likely pathogenic. Last evaluated: 2021-06-22. Review status: criteria provided, single submitter. Criteria: ACMG Guidelines, 2015. Collection method: clinical testing. Allele origin: germline.
Comment: PVS1_strong, PM2

Literature cited by the submitters: PubMed 20007969; PubMed 20585040; PubMed 31145309; PubMed 29095814; PubMed 31038472.

NM_003126.4(SPTA1):c.7135_7137delinsTATAAATGACA (p.Ala2379delinsTyrLysTer)

Genes: OR10Z1 (olfactory receptor family 10 subfamily Z member 1; plus strand), SPTA1 (spectrin alpha, erythrocytic 1; minus strand). Cytogenetic location: 1q23.1.
Variant type: Indel.
Coding change: c.7135_7137delinsTATAAATGACA on transcript NM_003126.4 (MANE Select); coding-DNA positions 7135 to 7137, GCC replaced by TATAAATGACA.
Protein change: p.Ala2379delinsTyrLysTer.
Molecular consequence: nonsense. On other transcripts: 3 prime UTR variant (1).
Genome position (GRCh38, 1-based): chr1:158,611,387-158,611,389, GGC replaced by TGTCATTTATA on the plus strand (GCC replaced by TATAAATGACA on the coding strand, the reverse complement: SPTA1 is on the minus strand). VCF-style: chr1-158611387-GGC-TGTCATTTATA. GRCh37 (hg19) VCF-style: chr1-158581177-GGC-TGTCATTTATA.
Other names: p.Ala2379Tyrfs*3; c.*4007_*4009delinsTGTCATTTATA (NM_001004478.2).
Identifiers: ClinVar variation 1705950 (VCV001705950.4), dbSNP rs2526152872, ClinGen allele CA2580061245.